The following is an entry in ClinVar:

NM_080759.6(DACH1):c.1722+6C>T

Gene: DACH1 (dachshund family transcription factor 1; minus strand). Cytogenetic location: 13q21.33.
Variant type: single nucleotide variant.
Coding change: c.1722+6C>T on transcript NM_080759.6 (MANE Select); 6 bases into the intron after coding-DNA position 1722, C replaced by T.
Molecular consequence: intron variant.
Genome position (GRCh38, 1-based): chr13:71,488,991, G>A on the plus strand (C>T on the coding strand, the complement: DACH1 is on the minus strand). VCF-style: chr13-71488991-G-A. GRCh37 (hg19) VCF-style: chr13-72063123-G-A.
Other names: c.1116+6C>T (NM_004392.7); c.1278+6C>T (NM_080760.6); c.1878+6C>T (NM_001366712.1).
Identifiers: ClinVar variation 218830 (VCV000218830.26), dbSNP rs192675802, ClinGen allele CA249250.

ClinVar aggregate classification (germline): Conflicting classifications of pathogenicity. Review status: criteria provided, conflicting classifications (1 of 4 stars). 2 submissions from 2 submitters: Uncertain significance (1); Likely benign (1). Last evaluated 2023-01-01.

Allele frequency attached by ClinVar (database versions not stated): gnomAD 0.00741; 1000 Genomes Project 30x 0.00187; 1000 Genomes Project 0.00200; TOPMed 0.00380; ESP Exome Variant Server 0.00470; gnomAD exomes 0.00478 and 0.00636; ExAC 0.00514.
gnomAD v4.1: 9,953 of 1,611,052 alleles (0.62%); highest among the groups gnomAD compares: Non-Finnish European, 0.75%; 57 homozygotes.

Submissions (2):

CeGaT Center for Human Genetics Tuebingen
Classification: Likely benign. Last evaluated: 2023-01-01. Review status: criteria provided, single submitter. Criteria: CeGaT Center For Human Genetics Tuebingen Variant Classification Criteria Version 2. Collection method: clinical testing. Allele origin: germline. Affected: yes. Observed: 1 variant allele.
Comment: DACH1: BP4, BS2

Genomic Diagnostic Laboratory, Division of Genomic Diagnostics, Children's Hospital of Philadelphia
Classification: Uncertain significance. Last evaluated: 2015-10-02. Review status: criteria provided, single submitter. Criteria: DGD Variant Analysis Guidelines. Collection method: clinical testing. Allele origin: unknown.